The following is an entry in ClinVar:

ClinVar aggregate classification (germline): Uncertain significance (1 of 4 stars; one submission).

Conditions:
Hereditary cancer-predisposing syndrome. Also called: Neoplastic Syndromes, Hereditary; Tumor predisposition; Hereditary Cancer Syndrome; Hereditary neoplastic syndrome. Identifiers: Orphanet 140162, MedGen C0027672, MeSH D009386, MONDO:0015356.

Submission:

Ambry Genetics
Classification: Uncertain significance for Hereditary cancer-predisposing syndrome. Last evaluated: 2026-04-27. Review status: criteria provided, single submitter. Criteria: Ambry Variant Classification Scheme 2023. Collection method: clinical testing. Allele origin: germline.
Comment: The p.H399D variant (also known as c.1195C>G), located in coding exon 8 of the ATM gene, results from a C to G substitution at nucleotide position 1195. The histidine at codon 399 is replaced by aspartic acid, an amino acid with similar properties. In an assay testing ATM function, this variant showed a functionally abnormal result (Lee KS et al. Cell, 2025 Sep;188:5081-5099.e27). This amino acid position is not well conserved in available vertebrate species. In addition, this alteration is predicted to be tolerated by in silico analysis. Based on the available evidence, the clinical significance of this variant remains unclear.

Literature cited by the submitters: PubMed 40580951.

NM_000051.4(ATM):c.1195C>G (p.His399Asp)

Gene: ATM (ATM serine/threonine kinase; plus strand). Cytogenetic location: 11q22.3.
Variant type: single nucleotide variant.
Coding change: c.1195C>G on transcript NM_000051.4 (MANE Select); coding-DNA position 1195, C replaced by G.
Protein change: p.His399Asp; replaces histidine 399 with aspartic acid.
Molecular consequence: missense variant.
Genome position (GRCh38, 1-based): chr11:108,249,062, C>G. VCF-style: chr11-108249062-C-G. GRCh37 (hg19) VCF-style: chr11-108119789-C-G.
Other names: c.1195C>G, p.His399Asp (NM_001351834.2); short protein forms H399D.
Identifiers: ClinVar variation 4866416 (VCV004866416.1).